The following is an entry in ClinVar:

NM_015937.6(PIGT):c.1201A>G (p.Thr401Ala)

Gene: PIGT (phosphatidylinositol glycan anchor biosynthesis class T; plus strand). Cytogenetic location: 20q13.12.
Variant type: single nucleotide variant.
Coding change: c.1201A>G on transcript NM_015937.6 (MANE Select); coding-DNA position 1201, A replaced by G.
Protein change: p.Thr401Ala; replaces threonine 401 with alanine.
Molecular consequence: missense variant. On other transcripts: non-coding transcript variant (5), intron variant (1).
Genome position (GRCh38, 1-based): chr20:45,421,550, A>G. VCF-style: chr20-45421550-A-G. GRCh37 (hg19) VCF-style: chr20-44050190-A-G.
Other names: c.1033A>G, p.Thr345Ala (NM_001184728.3); c.895A>G, p.Thr299Ala (NM_001184730.3); c.1033+857A>G (NM_001184729.3); c.1201A>G (NM_015937.5); short protein forms T299A, T345A, T401A.
Identifiers: ClinVar variation 3212837 (VCV003212837.2), dbSNP rs753901894, ClinGen allele CA9878186.
Genomic context (GRCh38, chr20:45,421,550, plus strand): 5'-TTCCCGGTGCTGCTGCTGGACACCGTACCCTGGTATCTGCGGCTGTATGTGCACACCCTC[A>G]CCATCACCTCCAAGGGCAAGGAGAACAAACCAAGTGAGGACCTGAGTCCTGAACCAGGCC-3'
Protein context (NP_057021.2, residues 391-411): WYLRLYVHTL[Thr401Ala]ITSKGKENKP

ClinVar aggregate classification (germline): Uncertain significance. Review status: criteria provided, multiple submitters, no conflicts (2 of 4 stars). 2 submissions from 2 submitters: Uncertain significance (2). Last evaluated 2024-09-04.

Conditions:
Inborn genetic diseases. Identifiers: MedGen C0950123, MeSH D030342.

Allele frequency attached by ClinVar (database versions not stated): ExAC 0.00001; gnomAD 0.00001; gnomAD exomes 0.00001.
gnomAD v4.1: 11 of 1,613,848 alleles (0.00068%); highest among the groups gnomAD compares: Non-Finnish European, 0.00093%; no homozygotes.

Submissions (2):

GeneDx
Classification: Uncertain significance. Last evaluated: 2024-09-04. Review status: criteria provided, single submitter. Criteria: GeneDx Variant Classification Process June 2021. Collection method: clinical testing. Allele origin: germline. Affected: yes.
Comment: Not observed at significant frequency in large population cohorts (gnomAD); In silico analysis indicates that this missense variant does not alter protein structure/function; Has not been previously published as pathogenic or benign to our knowledge

Ambry Genetics
Classification: Uncertain significance for Inborn genetic diseases. Last evaluated: 2023-09-25. Review status: criteria provided, single submitter. Criteria: Ambry Variant Classification Scheme 2023. Collection method: clinical testing. Allele origin: germline.